The following is an entry in ClinVar:

ClinVar aggregate classification (germline): Uncertain significance (1 of 4 stars; one submission).

Conditions:
Lethal multiple pterygium syndrome (LMPS). Identifiers: Orphanet 33108, MedGen C1854678, MONDO:0009668, OMIM 253290.

Allele frequency attached by ClinVar (database versions not stated): gnomAD exomes 0.00001; gnomAD 0.00002.

Submission:

Labcorp Genetics (formerly Invitae), Labcorp
Classification: Uncertain significance for Lethal multiple pterygium syndrome. Last evaluated: 2024-11-05. Review status: criteria provided, single submitter. Criteria: Invitae Variant Classification Sherloc (09022015). Collection method: clinical testing. Allele origin: germline.
Comment: This sequence change replaces arginine, which is basic and polar, with glutamine, which is neutral and polar, at codon 333 of the CHRNA1 protein (p.Arg333Gln). This variant is present in population databases (no rsID available, gnomAD 0.004%). This variant has not been reported in the literature in individuals affected with CHRNA1-related conditions. ClinVar contains an entry for this variant (Variation ID: 2200264). Invitae Evidence Modeling of protein sequence and biophysical properties (such as structural, functional, and spatial information, amino acid conservation, physicochemical variation, residue mobility, and thermodynamic stability) indicates that this missense variant is not expected to disrupt CHRNA1 protein function with a negative predictive value of 80%. This variant disrupts the p.Arg333 amino acid residue in CHRNA1. Other variant(s) that disrupt this residue have been determined to be pathogenic (PMID: 18806275; internal data). This suggests that this residue is clinically significant, and that variants that disrupt this residue are likely to be disease-causing. In summary, the available evidence is currently insufficient to determine the role of this variant in disease. Therefore, it has been classified as a Variant of Uncertain Significance.

Literature cited by the submitters: PubMed 18806275.

NM_000079.4(CHRNA1):c.998G>A (p.Arg333Gln)

Gene: CHRNA1 (cholinergic receptor nicotinic alpha 1 subunit; minus strand). Cytogenetic location: 2q31.1.
Variant type: single nucleotide variant.
Coding change: c.998G>A on transcript NM_000079.4 (MANE Select); coding-DNA position 998, G replaced by A.
Protein change: p.Arg333Gln; replaces arginine 333 with glutamine.
Molecular consequence: missense variant.
Genome position (GRCh38, 1-based): chr2:174,749,950, C>T on the plus strand (G>A on the coding strand, the complement: CHRNA1 is on the minus strand). VCF-style: chr2-174749950-C-T. GRCh37 (hg19) VCF-style: chr2-175614678-C-T.
Other names: c.1073G>A, p.Arg358Gln (NM_001039523.3); short protein forms R333Q, R358Q.
Identifiers: ClinVar variation 2200264 (VCV002200264.4), dbSNP rs960551244, ClinGen allele CA60848722.